The following is an entry in ClinVar:

ClinVar aggregate classification (germline): Pathogenic (1 of 4 stars; one submission).

Conditions:
Beckwith-Wiedemann syndrome (BWS). Also called: Exomphalos macroglossia gigantism syndrome; EMG SYNDROME. Identifiers: Orphanet 116, MedGen C0004903, MONDO:0007534, OMIM 130650.

Submission:

Labcorp Genetics (formerly Invitae), Labcorp
Classification: Pathogenic for Beckwith-Wiedemann syndrome. Last evaluated: 2023-04-22. Review status: criteria provided, single submitter. Criteria: Invitae Variant Classification Sherloc (09022015). Collection method: clinical testing. Allele origin: germline.
Comment: For these reasons, this variant has been classified as Pathogenic. This variant disrupts a region of the CDKN1C protein in which other variant(s) (p.Pro302Leufs*19) have been determined to be pathogenic (PMID: 26077438; Invitae). This suggests that this is a clinically significant region of the protein, and that variants that disrupt it are likely to be disease-causing. This variant has not been reported in the literature in individuals affected with CDKN1C-related conditions. This variant is not present in population databases (gnomAD no frequency). This sequence change creates a premature translational stop signal (p.Glu285*) in the CDKN1C gene. While this is not anticipated to result in nonsense mediated decay, it is expected to disrupt the last 32 amino acid(s) of the CDKN1C protein.

Literature cited by the submitters: PubMed 26077438.

NM_001122630.2(CDKN1C):c.820G>T (p.Glu274Ter)

Gene: CDKN1C (cyclin dependent kinase inhibitor 1C; minus strand). Cytogenetic location: 11p15.4.
Variant type: single nucleotide variant.
Coding change: c.820G>T on transcript NM_001122630.2 (MANE Select); coding-DNA position 820, G replaced by T.
Protein change: p.Glu274Ter; replaces glutamic acid 274 with a stop codon.
Molecular consequence: nonsense. On other transcripts: synonymous variant (1).
Genome position (GRCh38, 1-based): chr11:2,884,102, C>A on the plus strand (G>T on the coding strand, the complement: CDKN1C is on the minus strand). VCF-style: chr11-2884102-C-A. GRCh37 (hg19) VCF-style: chr11-2905332-C-A.
Other names: c.853G>T, p.Glu285Ter (NM_000076.2, NM_001362474.2); c.820G>T, p.Glu274Ter (NM_001122631.2); c.288G>T, p.Leu96= (NM_001362475.2); short protein forms E274*, E285*.
Identifiers: ClinVar variation 2858148 (VCV002858148.3), dbSNP rs2494380076, ClinGen allele CA379145029.
Genomic context (GRCh38, chr11:2,884,102, plus strand): 5'-CCACGCCAGGGGCGGCGCTTGGAGAGGGACACGGCGCGGGGACATCGCCCGACGACTTCT[C>A]AGGCGCTGATCTCTTGCGCTTGGCGAAGAAATCTGCGGGCGACAGCGCGCGCGGCCGGTC-3'